The following is an entry in ClinVar:

ClinVar aggregate classification (germline): Uncertain significance (1 of 4 stars; one submission).

Conditions:
Inborn genetic diseases. Identifiers: MedGen C0950123, MeSH D030342.

gnomAD v4.1: 1 of 1,613,700 alleles (0.000062%); highest among the groups gnomAD compares: Non-Finnish European, 0.000085%; no homozygotes.

Submission:

Ambry Genetics
Classification: Uncertain significance for Inborn genetic diseases. Last evaluated: 2024-03-23. Review status: criteria provided, single submitter. Criteria: Ambry Variant Classification Scheme 2023. Collection method: clinical testing. Allele origin: germline.
Comment: The p.H1504R variant (also known as c.4511A>G), located in coding exon 26 of the ATR gene, results from an A to G substitution at nucleotide position 4511. The histidine at codon 1504 is replaced by arginine, an amino acid with highly similar properties. This amino acid position is conserved. In addition, this alteration is predicted to be tolerated by in silico analysis. Based on the available evidence, the clinical significance of this alteration remains unclear.

NM_001184.4(ATR):c.4511A>G (p.His1504Arg)

Gene: ATR (ATR serine/threonine kinase; minus strand). Cytogenetic location: 3q23.
Variant type: single nucleotide variant.
Coding change: c.4511A>G on transcript NM_001184.4 (MANE Select); coding-DNA position 4511, A replaced by G.
Protein change: p.His1504Arg; replaces histidine 1504 with arginine.
Molecular consequence: missense variant.
Genome position (GRCh38, 1-based): chr3:142,513,631, T>C on the plus strand (A>G on the coding strand, the complement: ATR is on the minus strand). VCF-style: chr3-142513631-T-C. GRCh37 (hg19) VCF-style: chr3-142232473-T-C.
Other names: c.4319A>G, p.His1440Arg (NM_001354579.2); short protein forms H1440R, H1504R.
Identifiers: ClinVar variation 3331360 (VCV003331360.1).